The following is an entry in ClinVar:

NM_001029883.3(PCARE):c.389C>T (p.Ser130Phe)

Gene: PCARE (photoreceptor cilium actin regulator; minus strand). Cytogenetic location: 2p23.2.
Variant type: single nucleotide variant.
Coding change: c.389C>T on transcript NM_001029883.3 (MANE Select); coding-DNA position 389, C replaced by T.
Protein change: p.Ser130Phe; replaces serine 130 with phenylalanine.
Molecular consequence: missense variant.
Genome position (GRCh38, 1-based): chr2:29,073,873, G>A on the plus strand (C>T on the coding strand, the complement: PCARE is on the minus strand). VCF-style: chr2-29073873-G-A. GRCh37 (hg19) VCF-style: chr2-29296739-G-A.
Other names: short protein forms S130F.
Identifiers: ClinVar variation 1507461 (VCV001507461.6), dbSNP rs2148416972, ClinGen allele CA346482409.
Genomic context (GRCh38, chr2:29,073,873, plus strand): 5'-TTTGCTGTCCTTTTCCATTTGGAAGTATCTTGGGTACTACTTTCCTCACTCTCATCTCCA[G>A]AAAAGTCTGCCCCTTGTGATCCATGGGAACCCTGTGTCTTGAACGGAATATCCTTAGCCA-3'
Protein context (NP_001025054.1, residues 120-140): GSHGSQGADF[Ser130Phe]GDESEESSTQ

ClinVar aggregate classification (germline): Uncertain significance (1 of 4 stars; one submission).

Submission:

Labcorp Genetics (formerly Invitae), Labcorp
Classification: Uncertain significance. Last evaluated: 2021-08-18. Review status: criteria provided, single submitter. Criteria: Invitae Variant Classification Sherloc (09022015). Collection method: clinical testing. Allele origin: germline.
Comment: This sequence change replaces serine with phenylalanine at codon 130 of the PCARE protein (p.Ser130Phe). The serine residue is highly conserved and there is a large physicochemical difference between serine and phenylalanine. This variant is not present in population databases (ExAC no frequency). This variant has not been reported in the literature in individuals affected with PCARE-related conditions. Algorithms developed to predict the effect of missense changes on protein structure and function are either unavailable or do not agree on the potential impact of this missense change (SIFT: "Tolerated"; PolyPhen-2: "Possibly Damaging"; Align-GVGD: "Class C0"). In summary, the available evidence is currently insufficient to determine the role of this variant in disease. Therefore, it has been classified as a Variant of Uncertain Significance.